The following is an entry in ClinVar:

ClinVar aggregate classification (germline): Uncertain significance. Review status: criteria provided, multiple submitters, no conflicts (2 of 4 stars). 3 submissions from 3 submitters: Uncertain significance (3). Last evaluated 2023-05-04.

Conditions:
PCLO-related disorder. Also called: PCLO-related condition.
Inborn genetic diseases. Identifiers: MedGen C0950123, MeSH D030342.

Allele frequency attached by ClinVar (database versions not stated): ESP Exome Variant Server 0.00008.
gnomAD v4.1: 13 of 1,612,664 alleles (0.00081%); highest among the groups gnomAD compares: Admixed American, 0.0017%; no homozygotes.

Submissions (3):

PreventionGenetics, part of Exact Sciences
Classification: Uncertain significance for PCLO-related condition. Last evaluated: 2023-05-04. Review status: criteria provided, single submitter. Criteria: ACMG Guidelines, 2015. Collection method: clinical testing. Allele origin: germline.
Comment: The PCLO c.4067G>T variant is predicted to result in the amino acid substitution p.Ser1356Ile. To our knowledge, this variant has not been reported in the literature. This variant is reported in 0.0029% of alleles in individuals of Latino descent in gnomAD. At this time, the clinical significance of this variant is uncertain due to the absence of conclusive functional and genetic evidence.

Labcorp Genetics (formerly Invitae), Labcorp
Classification: Uncertain significance. Last evaluated: 2022-06-20. Review status: criteria provided, single submitter. Criteria: Invitae Variant Classification Sherloc (09022015). Collection method: clinical testing. Allele origin: germline.
Comment: In summary, the available evidence is currently insufficient to determine the role of this variant in disease. Therefore, it has been classified as a Variant of Uncertain Significance. Algorithms developed to predict the effect of missense changes on protein structure and function are either unavailable or do not agree on the potential impact of this missense change (SIFT: "Deleterious"; PolyPhen-2: "Not Available"; Align-GVGD: "Class C0"). This variant has not been reported in the literature in individuals affected with PCLO-related conditions. The frequency data for this variant in the population databases is considered unreliable, as metrics indicate poor data quality at this position in the gnomAD database. This sequence change replaces serine, which is neutral and polar, with isoleucine, which is neutral and non-polar, at codon 1356 of the PCLO protein (p.Ser1356Ile).

Ambry Genetics
Classification: Uncertain significance for Inborn genetic diseases. Last evaluated: 2021-11-15. Review status: criteria provided, single submitter. Criteria: Ambry Variant Classification Scheme 2023. Collection method: clinical testing. Allele origin: germline.

NM_033026.6(PCLO):c.4067G>T (p.Ser1356Ile)

Gene: PCLO (piccolo presynaptic cytomatrix protein; minus strand). Cytogenetic location: 7q21.11.
Variant type: single nucleotide variant.
Coding change: c.4067G>T on transcript NM_033026.6 (MANE Select); coding-DNA position 4067, G replaced by T.
Protein change: p.Ser1356Ile; replaces serine 1356 with isoleucine.
Molecular consequence: missense variant.
Genome position (GRCh38, 1-based): chr7:82,956,886, C>A on the plus strand (G>T on the coding strand, the complement: PCLO is on the minus strand). VCF-style: chr7-82956886-C-A. GRCh37 (hg19) VCF-style: chr7-82586202-C-A.
Other names: c.4067G>T, p.Ser1356Ile (NM_014510.3); c.4067G>T (NM_033026.5); short protein forms S1356I.
Identifiers: ClinVar variation 1373282 (VCV001373282.5), dbSNP rs377062928, ClinGen allele CA4320893.